The following is an entry in ClinVar:

NM_004252.5(NHERF1):c.821C>A (p.Ala274Glu)

Gene: NHERF1 (NHERF family PDZ scaffold protein 1; plus strand). Cytogenetic location: 17q25.1.
Variant type: single nucleotide variant.
Coding change: c.821C>A on transcript NM_004252.5 (MANE Select); coding-DNA position 821, C replaced by A.
Protein change: p.Ala274Glu; replaces alanine 274 with glutamic acid.
Molecular consequence: missense variant.
Genome position (GRCh38, 1-based): chr17:74,768,169, C>A. VCF-style: chr17-74768169-C-A. GRCh37 (hg19) VCF-style: chr17-72764308-C-A.
Other names: short protein forms A274E.
Identifiers: ClinVar variation 3694621 (VCV003694621.2).

ClinVar aggregate classification (germline): Uncertain significance (1 of 4 stars; one submission).

Submission:

Labcorp Genetics (formerly Invitae), Labcorp
Classification: Uncertain significance. Last evaluated: 2024-11-05. Review status: criteria provided, single submitter. Criteria: Invitae Variant Classification Sherloc (09022015). Collection method: clinical testing. Allele origin: germline.
Comment: This sequence change replaces alanine, which is neutral and non-polar, with glutamic acid, which is acidic and polar, at codon 274 of the SLC9A3R1 protein (p.Ala274Glu). This variant is not present in population databases (gnomAD no frequency). This variant has not been reported in the literature in individuals affected with SLC9A3R1-related conditions. An algorithm developed to predict the effect of missense changes on protein structure and function (PolyPhen-2) suggests that this variant is likely to be tolerated. In summary, the available evidence is currently insufficient to determine the role of this variant in disease. Therefore, it has been classified as a Variant of Uncertain Significance.